The following is an entry in ClinVar:

NM_002250.3(KCNN4):c.340G>T (p.Val114Leu)

Gene: KCNN4 (potassium calcium-activated channel subfamily N member 4; minus strand). Cytogenetic location: 19q13.31.
Variant type: single nucleotide variant.
Coding change: c.340G>T on transcript NM_002250.3 (MANE Select); coding-DNA position 340, G replaced by T.
Protein change: p.Val114Leu; replaces valine 114 with leucine.
Molecular consequence: missense variant.
Genome position (GRCh38, 1-based): chr19:43,774,535, C>A on the plus strand (G>T on the coding strand, the complement: KCNN4 is on the minus strand). VCF-style: chr19-43774535-C-A. GRCh37 (hg19) VCF-style: chr19-44278687-C-A.
Other names: c.340G>T (NM_002250.2); short protein forms V114L.
Identifiers: ClinVar variation 2433018 (VCV002433018.8), dbSNP rs200491983, ClinGen allele CA9492006.
Genomic context (GRCh38, chr19:43,774,535, plus strand): 5'-GCGCCCCTAAATCCTGCACGCACGGCGGGCCCCGCACGGGCGCCGGGTGCAGCCCACACA[C>A]CACCAGCTCCAGCACGATCTGCGCCGCCTGCCGCCCGGTCAGCGCCACGCGCCAGTCCCG-3'
Protein context (NP_002241.1, residues 104-124): QAAQIVLELV[Val114Leu]CGLHPAPVRG

ClinVar aggregate classification (germline): Uncertain significance. Review status: criteria provided, multiple submitters, no conflicts (2 of 4 stars). 4 submissions from 4 submitters: Uncertain significance (4). Last evaluated 2024-12-09.

Conditions:
Dehydrated hereditary stomatocytosis 2 (DHS2). Also called: XEROCYTOSIS GARDOS; DESICCYTOSIS GARDOS. Identifiers: Orphanet 3202, MedGen C4225242, MONDO:0014737, OMIM 616689.
Inborn genetic diseases. Identifiers: MedGen C0950123, MeSH D030342.

gnomAD v4.1: 80 of 1,593,532 alleles (0.005%); highest among the groups gnomAD compares: Non-Finnish European, 0.0037%; no homozygotes.

Submissions (4):

Labcorp Genetics (formerly Invitae), Labcorp
Classification: Uncertain significance. Last evaluated: 2024-12-09. Review status: criteria provided, single submitter. Criteria: Invitae Variant Classification Sherloc (09022015). Collection method: clinical testing. Allele origin: germline.
Comment: This sequence change replaces valine, which is neutral and non-polar, with leucine, which is neutral and non-polar, at codon 114 of the KCNN4 protein (p.Val114Leu). This variant is present in population databases (rs200491983, gnomAD 0.05%). This variant has not been reported in the literature in individuals affected with KCNN4-related conditions. ClinVar contains an entry for this variant (Variation ID: 2433018). Invitae Evidence Modeling of protein sequence and biophysical properties (such as structural, functional, and spatial information, amino acid conservation, physicochemical variation, residue mobility, and thermodynamic stability) indicates that this missense variant is not expected to disrupt KCNN4 protein function with a negative predictive value of 80%. In summary, the available evidence is currently insufficient to determine the role of this variant in disease. Therefore, it has been classified as a Variant of Uncertain Significance.

Ambry Genetics
Classification: Uncertain significance for Inborn genetic diseases. Last evaluated: 2024-10-21. Review status: criteria provided, single submitter. Criteria: Ambry Variant Classification Scheme 2023. Collection method: clinical testing. Allele origin: germline.

GeneDx
Classification: Uncertain significance. Last evaluated: 2024-04-15. Review status: criteria provided, single submitter. Criteria: GeneDx Variant Classification Process June 2021. Collection method: clinical testing. Allele origin: germline. Affected: yes.
Comment: In silico analysis indicates that this missense variant does not alter protein structure/function; Has not been previously published as pathogenic or benign to our knowledge

Revvity Omics, Revvity
Classification: Uncertain significance for Dehydrated hereditary stomatocytosis 2. Last evaluated: 2023-03-29. Review status: criteria provided, single submitter. Criteria: ACMG Guidelines, 2015. Collection method: clinical testing. Allele origin: germline.